The following is an entry in ClinVar:

NM_018943.3(TUBA8):c.163G>A (p.Glu55Lys)

Gene: TUBA8 (tubulin alpha 8; plus strand). Cytogenetic location: 22q11.21.
Variant type: single nucleotide variant.
Coding change: c.163G>A on transcript NM_018943.3 (MANE Select); coding-DNA position 163, G replaced by A.
Protein change: p.Glu55Lys; replaces glutamic acid 55 with lysine.
Molecular consequence: missense variant. On other transcripts: 5 prime UTR variant (1).
Genome position (GRCh38, 1-based): chr22:18,121,638, G>A. VCF-style: chr22-18121638-G-A. GRCh37 (hg19) VCF-style: chr22-18604405-G-A.
Other names: c.-36G>A (NM_001193414.2); short protein forms E55K.
Identifiers: ClinVar variation 3006443 (VCV003006443.3), dbSNP rs1569199279, ClinGen allele CA410261771.

ClinVar aggregate classification (germline): Uncertain significance (1 of 4 stars; one submission).

Submission:

Labcorp Genetics (formerly Invitae), Labcorp
Classification: Uncertain significance. Last evaluated: 2023-08-17. Review status: criteria provided, single submitter. Criteria: Invitae Variant Classification Sherloc (09022015). Collection method: clinical testing. Allele origin: germline.
Comment: This sequence change replaces glutamic acid, which is acidic and polar, with lysine, which is basic and polar, at codon 55 of the TUBA8 protein (p.Glu55Lys). This variant is not present in population databases (gnomAD no frequency). This variant has not been reported in the literature in individuals affected with TUBA8-related conditions. Advanced modeling of protein sequence and biophysical properties (such as structural, functional, and spatial information, amino acid conservation, physicochemical variation, residue mobility, and thermodynamic stability) performed at Invitae indicates that this missense variant is expected to disrupt TUBA8 protein function. In summary, the available evidence is currently insufficient to determine the role of this variant in disease. Therefore, it has been classified as a Variant of Uncertain Significance.